The following is an entry in ClinVar:

ClinVar aggregate classification (germline): Benign/Likely benign. Review status: criteria provided, multiple submitters, no conflicts (2 of 4 stars). 3 submissions from 3 submitters: Benign (1); Likely benign (2). Last evaluated 2026-04-01.

Allele frequency attached by ClinVar (database versions not stated): ExAC 0.00005; gnomAD 0.00006; TOPMed 0.00006; gnomAD exomes 0.00007; ESP Exome Variant Server 0.00009.
gnomAD v4.1: 105 of 1,140,524 alleles (0.0092%); highest among the groups gnomAD compares: Non-Finnish European, 0.012%; no homozygotes.

Submissions (3):

CeGaT Center for Human Genetics Tuebingen
Classification: Likely benign. Last evaluated: 2026-04-01. Review status: criteria provided, single submitter. Criteria: CeGaT Center For Human Genetics Tuebingen Variant Classification Criteria Version 2. Collection method: clinical testing. Allele origin: germline. Affected: yes. Observed: 2 variant alleles.
Comment: STAG2: BP4, BS2

Labcorp Genetics (formerly Invitae), Labcorp
Classification: Benign. Last evaluated: 2025-11-27. Review status: criteria provided, single submitter. Criteria: Invitae Variant Classification Sherloc (09022015). Collection method: clinical testing. Allele origin: germline.

Blueprint Genetics
Classification: Likely benign. Last evaluated: 2023-03-27. Review status: criteria provided, single submitter. Criteria: ACMG Guidelines, 2015. Collection method: clinical testing. Allele origin: germline.

NM_001042750.2(STAG2):c.3278-4C>T

Gene: STAG2 (STAG2 cohesin complex component; plus strand). Cytogenetic location: Xq25.
Variant type: single nucleotide variant.
Coding change: c.3278-4C>T on transcript NM_001042750.2 (MANE Select); 4 bases into the intron before coding-DNA position 3278, C replaced by T.
Molecular consequence: intron variant.
Genome position (GRCh38, 1-based): chrX:124,090,571, C>T. VCF-style: chrX-124090571-C-T. GRCh37 (hg19) VCF-style: chrX-123224421-C-T.
Other names: c.3278-4C>T (NM_001042749.2, NM_001375366.1, NM_001375373.1 and 13 more transcripts).
Identifiers: ClinVar variation 1560817 (VCV001560817.22), dbSNP rs368404641, ClinGen allele CA10509143.